The following is an entry in ClinVar:

ClinVar aggregate classification (germline): Uncertain significance (0 of 4 stars; one submission).

Conditions:
SH2B1-related disorder. Also called: SH2B1-related condition.

gnomAD v4.1: 20 of 1,613,942 alleles (0.0012%); highest among the groups gnomAD compares: African/African-American, 0.0067%; no homozygotes.

Submission:

PreventionGenetics, part of Exact Sciences
Classification: Uncertain significance for SH2B1-related condition. Last evaluated: 2024-01-29. Review status: no assertion criteria provided. Collection method: clinical testing. Allele origin: germline.
Comment: The SH2B1 c.440C>T variant is predicted to result in the amino acid substitution p.Pro147Leu. To our knowledge, this variant has not been reported in the literature. This variant is reported in 0.0062% of alleles in individuals of African descent in gnomAD. At this time, the clinical significance of this variant is uncertain due to the absence of conclusive functional and genetic evidence.

NM_001387430.1(SH2B1):c.440C>T (p.Pro147Leu)

Gene: SH2B1 (SH2B adaptor protein 1; plus strand). Cytogenetic location: 16p11.2.
Variant type: single nucleotide variant.
Coding change: c.440C>T on transcript NM_001387430.1 (MANE Select); coding-DNA position 440, C replaced by T.
Protein change: p.Pro147Leu; replaces proline 147 with leucine.
Molecular consequence: missense variant. On other transcripts: intron variant (1).
Genome position (GRCh38, 1-based): chr16:28,866,534, C>T. VCF-style: chr16-28866534-C-T. GRCh37 (hg19) VCF-style: chr16-28877855-C-T.
Other names: c.440C>T, p.Pro147Leu (NM_001145795.2, NM_001145796.2, NM_001145797.2 and 4 more transcripts); c.-26-840C>T (NM_001308294.2); short protein forms P147L.
Identifiers: ClinVar variation 3353683 (VCV003353683.1).